The following is an entry in ClinVar:

NM_000552.5(VWF):c.171C>G (p.Cys57Trp)

Gene: VWF (von Willebrand factor; minus strand). Cytogenetic location: 12p13.31.
Variant type: single nucleotide variant.
Coding change: c.171C>G on transcript NM_000552.5 (MANE Select); coding-DNA position 171, C replaced by G.
Protein change: p.Cys57Trp; replaces cysteine 57 with tryptophan.
Molecular consequence: missense variant.
Genome position (GRCh38, 1-based): chr12:6,121,223, G>C on the plus strand (C>G on the coding strand, the complement: VWF is on the minus strand). VCF-style: chr12-6121223-G-C. GRCh37 (hg19) VCF-style: chr12-6230389-G-C.
Other names: short protein forms C57W.
Identifiers: ClinVar variation 2221874 (VCV002221874.3), dbSNP rs61753987, ClinGen allele CA383507922.

ClinVar aggregate classification (germline): Uncertain significance. Review status: criteria provided, multiple submitters, no conflicts (2 of 4 stars). 2 submissions from 2 submitters: Uncertain significance (2). Last evaluated 2025-07-03.

Conditions:
Inborn genetic diseases. Identifiers: MedGen C0950123, MeSH D030342.

Allele frequency attached by ClinVar (database versions not stated): gnomAD 0.00001.
gnomAD v4.1: 2 of 1,614,128 alleles (0.00012%); highest among the groups gnomAD compares: African/African-American, 0.0013%; no homozygotes.

Submissions (2):

ARUP Laboratories, Molecular Genetics and Genomics, ARUP Laboratories
Classification: Uncertain significance. Last evaluated: 2025-07-03. Review status: criteria provided, single submitter. Criteria: ARUP Molecular Germline Variant Investigation Process 2024. Collection method: clinical testing. Allele origin: germline.
Comment: The VWF c.171C>G; p.Cys57Trp variant (rs61753987), to our knowledge, is not reported in the medical literature but is reported in ClinVar (Variation ID: 2221874). This variant is only observed on one allele in the Genome Aggregation Database (v2.1.1), indicating it is not a common polymorphism. Computational analyses are uncertain whether this variant is neutral or deleterious (REVEL: 0.633). Due to limited information, the clinical significance of this variant is uncertain at this time.

Ambry Genetics
Classification: Uncertain significance for Inborn genetic diseases. Last evaluated: 2022-12-01. Review status: criteria provided, single submitter. Criteria: Ambry Variant Classification Scheme 2023. Collection method: clinical testing. Allele origin: germline.